The following is an entry in ClinVar:

NM_000391.4(TPP1):c.1245_1246del (p.Phe416fs)

Gene: TPP1 (tripeptidyl peptidase 1; minus strand). Cytogenetic location: 11p15.4.
Variant type: Microsatellite.
Coding change: c.1245_1246del on transcript NM_000391.4 (MANE Select); coding-DNA positions 1245 to 1246, 2 bases deleted (GT; older notation c.1245_1246delGT).
Protein change: p.Phe416fs; shifts the reading frame from phenylalanine 416.
Molecular consequence: frameshift variant.
Genome position (GRCh38, 1-based): chr11:6,615,462-6,615,463, AC deleted on the plus strand (GT on the coding strand, the reverse complement: TPP1 is on the minus strand); deleting any 2 consecutive bases within chr11:6,615,462-6,615,466 gives the same sequence; the c. name uses the placement nearest the transcript's 3' end. VCF-style (leftmost placement, unchanged base first): chr11-6615461-AAC-A. GRCh37 (hg19) VCF-style: chr11-6636692-AAC-A.
Other names: short protein forms F416fs.
Identifiers: ClinVar variation 5014035 (VCV005014035.1).

ClinVar aggregate classification (germline): Pathogenic (1 of 4 stars; one submission).

Conditions:
Neuronal ceroid lipofuscinosis 2. Also called: TPP1-Related Neuronal Ceroid-Lipofuscinosis; JANSKY-BIELSCHOWSKY DISEASE NEURONAL CEROID LIPOFUSCINOSIS, LATE INFANTILE. Identifiers: Orphanet 168491, Orphanet 228349, Orphanet 79264, MedGen C1876161, MONDO:0008769, OMIM 204500.

Submission:

Myriad Genetics, Inc.
Classification: Pathogenic for Neuronal ceroid lipofuscinosis 2. Last evaluated: 2025-01-29. Review status: criteria provided, single submitter. Criteria: Myriad Autosomal Dominant, Autosomal Recessive and X-Linked Classification Criteria (2023). Collection method: clinical testing. Allele origin: unknown.
Comment: NM_000391.3(TPP1):c.1245_1246delGT(F416Pfs*17) is expected to be pathogenic in the context of TPP1-related neuronal ceroid lipofuscinosis. This variant is predicted to lead to an abnormal or absent protein product due to the creation of a premature termination codon in TPP1, a gene where loss-of-function variants are known to be pathogenic. Please note: this variant was assessed in the context of healthy population screening.